The following is an entry in ClinVar:

NM_001042472.3(ABHD12):c.1157G>A (p.Arg386Lys)

Gene: ABHD12 (abhydrolase domain containing 12, lysophospholipase; minus strand). Cytogenetic location: 20p11.21.
Variant type: single nucleotide variant.
Coding change: c.1157G>A on transcript NM_001042472.3 (MANE Select); coding-DNA position 1157, G replaced by A.
Protein change: p.Arg386Lys; replaces arginine 386 with lysine.
Molecular consequence: missense variant.
Genome position (GRCh38, 1-based): chr20:25,302,219, C>T on the plus strand (G>A on the coding strand, the complement: ABHD12 is on the minus strand). VCF-style: chr20-25302219-C-T. GRCh37 (hg19) VCF-style: chr20-25282855-C-T.
Other names: c.1157G>A, p.Arg386Lys (NM_015600.5); short protein forms R386K.
Identifiers: ClinVar variation 1064344 (VCV001064344.9), dbSNP rs2145916801, ClinGen allele CA408453819.

ClinVar aggregate classification (germline): Uncertain significance (1 of 4 stars; one submission).

Submission:

Labcorp Genetics (formerly Invitae), Labcorp
Classification: Uncertain significance. Last evaluated: 2020-06-13. Review status: criteria provided, single submitter. Criteria: Invitae Variant Classification Sherloc (09022015). Collection method: clinical testing. Allele origin: germline.
Comment: This sequence change replaces arginine with lysine at codon 386 of the ABHD12 protein (p.Arg386Lys). The arginine residue is moderately conserved and there is a small physicochemical difference between arginine and lysine. This variant also falls at the last nucleotide of exon 12 of the ABHD12 coding sequence, which is part of the consensus splice site for this exon. This variant is not present in population databases (ExAC no frequency). This variant has not been reported in the literature in individuals with ABHD12-related conditions. Algorithms developed to predict the effect of missense changes on protein structure and function are either unavailable or do not agree on the potential impact of this missense change (SIFT: "Tolerated"; PolyPhen-2: "Possibly Damaging"; Align-GVGD: "Class C0"). Nucleotide substitutions within the consensus splice site are a relatively common cause of aberrant splicing (PMID: 17576681, 9536098). Algorithms developed to predict the effect of sequence changes on RNA splicing suggest that this variant may disrupt the consensus splice site, but this prediction has not been confirmed by published transcriptional studies. In summary, the available evidence is currently insufficient to determine the role of this variant in disease. Therefore, it has been classified as a Variant of Uncertain Significance.

Literature cited by the submitters: PubMed 17576681; PubMed 9536098.